The following is an entry in ClinVar:

NM_001243133.2(NLRP3):c.2214C>T (p.Ser738=)

Gene: NLRP3 (NLR family pyrin domain containing 3; plus strand). Cytogenetic location: 1q44.
Variant type: single nucleotide variant.
Coding change: c.2214C>T on transcript NM_001243133.2 (MANE Select); coding-DNA position 2214, C replaced by T.
Protein change: p.Ser738=; no amino-acid change (serine 738 retained).
Molecular consequence: synonymous variant. On other transcripts: intron variant (2).
Genome position (GRCh38, 1-based): chr1:247,429,648, C>T. VCF-style: chr1-247429648-C-T. GRCh37 (hg19) VCF-style: chr1-247592950-C-T.
Other names: c.2214C>T, p.Ser738= (NM_001079821.3, NM_001127461.3); c.2220C>T, p.Ser740= (NM_004895.5); c.2150+4049C>T (NM_001127462.3, NM_183395.3).
Identifiers: ClinVar variation 296950 (VCV000296950.17), dbSNP rs183128734, ClinGen allele CA1495157.
Genomic context (GRCh38, chr1:247,429,648, plus strand): 5'-GGTGAACAGCCACCTCACTTCCAGTTTTTGCCGGGGCCTCTTTTCAGTTCTGAGCACCAG[C>T]CAGAGTCTAACTGAATTGGACCTCAGTGACAATTCTCTGGGGGACCCAGGGATGAGAGTG-3'
Protein context (NP_001230062.1, residues 728-748): CRGLFSVLST[Ser738=]QSLTELDLSD

ClinVar aggregate classification (germline): Benign/Likely benign. Review status: criteria provided, multiple submitters, no conflicts (2 of 4 stars). 8 submissions from 6 submitters: Benign (6); Likely benign (2). Last evaluated 2026-01-23.

Conditions:
Keratitis fugax hereditaria. Also called: KERATOENDOTHELIITIS FUGAX HEREDITARIA. Identifiers: Orphanet 647815, MedGen C1835697, MONDO:0007849, OMIM 148200.
Familial cold autoinflammatory syndrome 1 (FCAS1). Also called: CRYOPYRIN-ASSOCIATED PERIODIC SYNDROME 1; Familial cold inflammatory syndrome 1. Identifiers: Orphanet 47045, MedGen C4551895, MONDO:0007349, OMIM 120100.
Chronic infantile neurological, cutaneous and articular syndrome (CINCA). Also called: CHRONIC NEUROLOGIC CUTANEOUS AND ARTICULAR SYNDROME; CRYOPYRIN-ASSOCIATED PERIODIC SYNDROME 3; CINCA syndrome; Prieur Griscelli syndrome. Identifiers: Orphanet 1451, MedGen C0409818, MONDO:0011776, OMIM 607115.
Familial amyloid nephropathy with urticaria AND deafness (MWS). Also called: Urticaria, deafness and amyloidosis; CRYOPYRIN-ASSOCIATED PERIODIC SYNDROME 2; UDA SYNDROME; URTICARIA-DEAFNESS-AMYLOIDOSIS SYNDROME; MUCKLE-WELLS SYNDROME. Identifiers: Orphanet 575, MedGen C0268390, MONDO:0008633, OMIM 191900.
Hearing loss, autosomal dominant 34, with or without inflammation. Also called: DEAFNESS, AUTOSOMAL DOMINANT 34, WITH OR WITHOUT INFLAMMATION. Identifiers: MedGen C4521680, MONDO:0033261, OMIM 617772.
Cryopyrin associated periodic syndrome (CAPS). Identifiers: Orphanet 208650, MedGen C2316212, MONDO:0016168.

Allele frequency attached by ClinVar (database versions not stated): 1000 Genomes Project 0.00060; 1000 Genomes Project 30x 0.00078; gnomAD 0.00006; TOPMed 0.00014; gnomAD exomes 0.00020 and 0.00041; ExAC 0.00037.
gnomAD v4.1: 137 of 1,614,172 alleles (0.0085%); highest among the groups gnomAD compares: Admixed American, 0.22%; 1 homozygote.

Submissions (8):

Labcorp Genetics (formerly Invitae), Labcorp
Classification: Benign for Cryopyrin associated periodic syndrome. Last evaluated: 2026-01-23. Review status: criteria provided, single submitter. Criteria: Invitae Variant Classification Sherloc (09022015). Collection method: clinical testing. Allele origin: germline.

ARUP Laboratories, Molecular Genetics and Genomics, ARUP Laboratories
Classification: Benign. Last evaluated: 2025-03-14. Review status: criteria provided, single submitter. Criteria: ARUP Molecular Germline Variant Investigation Process 2024. Collection method: clinical testing. Allele origin: germline.

Fulgent Genetics
Classification: Benign for Familial cold autoinflammatory syndrome 1; Keratitis fugax hereditaria; Familial amyloid nephropathy with urticaria AND deafness; Chronic infantile neurological, cutaneous and articular syndrome; Hearing loss, autosomal dominant 34, with or without inflammation. Last evaluated: 2022-04-08. Review status: criteria provided, single submitter. Criteria: ACMG Guidelines, 2015. Collection method: clinical testing. Allele origin: unknown.

GeneDx
Classification: Likely benign. Last evaluated: 2021-03-01. Review status: criteria provided, single submitter. Criteria: GeneDx Variant Classification Process June 2021. Collection method: clinical testing. Allele origin: germline. Affected: yes.

Blueprint Genetics
Classification: Likely benign. Last evaluated: 2019-03-13. Review status: criteria provided, single submitter. Criteria: ACMG Guidelines, 2015. Collection method: clinical testing. Allele origin: germline.

Illumina Laboratory Services, Illumina
Classification: Benign for Chronic infantile neurological, cutaneous and articular syndrome. Last evaluated: 2018-01-12. Review status: criteria provided, single submitter. Criteria: ICSL Variant Classification Criteria 13 December 2019. Collection method: clinical testing. Allele origin: germline.
Comment: This variant was observed in the ICSL laboratory as part of a predisposition screen in an ostensibly healthy population. It had not been previously curated by ICSL or reported in the Human Gene Mutation Database (HGMD: prior to June 1st, 2018), and was therefore a candidate for classification through an automated scoring system. Utilizing variant allele frequency, disease prevalence and penetrance estimates, and inheritance mode, an automated score was calculated to assess if this variant is too frequent to cause the disease. Based on the score and internal cut-off values, a variant classified as benign is not then subjected to further curation. The score for this variant resulted in a classification of benign for this disease.

Illumina Laboratory Services, Illumina
Classification: Benign for Familial cold autoinflammatory syndrome 1. Last evaluated: 2018-01-12. Review status: criteria provided, single submitter. Criteria: ICSL Variant Classification Criteria 13 December 2019. Collection method: clinical testing. Allele origin: germline.
Comment: the same text as in the submission from Illumina Laboratory Services, Illumina above.

Illumina Laboratory Services, Illumina
Classification: Benign for Familial amyloid nephropathy with urticaria AND deafness. Last evaluated: 2018-01-12. Review status: criteria provided, single submitter. Criteria: ICSL Variant Classification Criteria 13 December 2019. Collection method: clinical testing. Allele origin: germline.
Comment: the same text as in the submission from Illumina Laboratory Services, Illumina above.